The following is an entry in ClinVar:

NM_002439.5(MSH3):c.634A>C (p.Asn212His)

Gene: MSH3 (mutS homolog 3; plus strand). Cytogenetic location: 5q14.1.
Variant type: single nucleotide variant.
Coding change: c.634A>C on transcript NM_002439.5 (MANE Select); coding-DNA position 634, A replaced by C.
Protein change: p.Asn212His; replaces asparagine 212 with histidine.
Molecular consequence: missense variant.
Genome position (GRCh38, 1-based): chr5:80,670,151, A>C. VCF-style: chr5-80670151-A-C. GRCh37 (hg19) VCF-style: chr5-79965970-A-C.
Other names: short protein forms N212H.
Identifiers: ClinVar variation 1047187 (VCV001047187.13), dbSNP rs756439715, ClinGen allele CA360266503.

ClinVar aggregate classification (germline): Uncertain significance. Review status: criteria provided, multiple submitters, no conflicts (2 of 4 stars). 3 submissions from 3 submitters: Uncertain significance (3). Last evaluated 2024-04-22.

Conditions:
Hereditary cancer-predisposing syndrome. Also called: Hereditary Cancer Syndrome; Tumor predisposition; Hereditary neoplastic syndrome; Neoplastic Syndromes, Hereditary. Identifiers: Orphanet 140162, MedGen C0027672, MeSH D009386, MONDO:0015356.

Submissions (3):

Labcorp Genetics (formerly Invitae), Labcorp
Classification: Uncertain significance. Last evaluated: 2024-04-22. Review status: criteria provided, single submitter. Criteria: Invitae Variant Classification Sherloc (09022015). Collection method: clinical testing. Allele origin: germline.
Comment: This sequence change replaces asparagine, which is neutral and polar, with histidine, which is basic and polar, at codon 212 of the MSH3 protein (p.Asn212His). This variant is not present in population databases (gnomAD no frequency). This variant has not been reported in the literature in individuals affected with MSH3-related conditions. ClinVar contains an entry for this variant (Variation ID: 1047187). An algorithm developed to predict the effect of missense changes on protein structure and function (PolyPhen-2) suggests that this variant is likely to be tolerated. In summary, the available evidence is currently insufficient to determine the role of this variant in disease. Therefore, it has been classified as a Variant of Uncertain Significance.

Mendelics
Classification: Uncertain significance. Last evaluated: 2022-05-04. Review status: criteria provided, single submitter. Criteria: Mendelics Assertion Criteria 2019. Collection method: clinical testing. Allele origin: germline.

Ambry Genetics
Classification: Uncertain significance for Hereditary cancer-predisposing syndrome. Last evaluated: 2022-04-04. Review status: criteria provided, single submitter. Criteria: Ambry Variant Classification Scheme 2023. Collection method: clinical testing. Allele origin: germline.
Comment: The p.N212H variant (also known as c.634A>C), located in coding exon 4 of the MSH3 gene, results from an A to C substitution at nucleotide position 634. The asparagine at codon 212 is replaced by histidine, an amino acid with similar properties. This amino acid position is conserved. In addition, this alteration is predicted to be tolerated by in silico analysis. Since supporting evidence is limited at this time, the clinical significance of this alteration remains unclear.